The following is an entry in ClinVar:

ClinVar aggregate classification (germline): Pathogenic (1 of 4 stars; one submission).

Submission:

GeneDx
Classification: Pathogenic. Last evaluated: 2016-09-15. Review status: criteria provided, single submitter. Criteria: GeneDx Variant Classification (06012015). Collection method: clinical testing. Allele origin: germline. Affected: yes.
Comment: The c.1016dupT pathogenic variant in the SLC2A1 gene has not been reported previously as a pathogenic variant nor as a benign variant, to our knowledge. The c.1016dupT variant causes a frameshift starting with codon Glycine 340, changes this amino acid to an Arginine residue, and creates a premature Stop codon at position 41 of the new reading frame, denoted p.Gly340ArgfsX41. This variant is predicted to cause loss of normal protein function either through protein truncation or nonsense-mediated mRNA decay. The c.1016dupT variant was not observed in approximately 6500 individuals of European and African American ancestry in the NHLBI Exome Sequencing Project, indicating it is not a common benign variant in these populations. We interpret c.1016dupT as a pathogenic variant

NM_006516.4(SLC2A1):c.1016dup (p.Gly340fs)

Gene: SLC2A1 (solute carrier family 2 member 1; minus strand). Cytogenetic location: 1p34.2.
Variant type: Duplication.
Coding change: c.1016dup on transcript NM_006516.4 (MANE Select); coding-DNA position 1016, one base duplicated (T; older notation c.1016dupT).
Protein change: p.Gly340fs; shifts the reading frame from glycine 340.
Molecular consequence: frameshift variant.
Genome position (GRCh38, 1-based): chr1:42,928,990, A duplicated on the plus strand (T on the coding strand, the reverse complement: SLC2A1 is on the minus strand). VCF-style (leftmost placement, unchanged base first): chr1-42928989-T-TA. GRCh37 (hg19) VCF-style: chr1-43394660-T-TA.
Other names: short protein forms G340fs.
Identifiers: ClinVar variation 280848 (VCV000280848.2), dbSNP rs886041981, ClinGen allele CA10602816.